The following is an entry in ClinVar:

ClinVar aggregate classification (germline): Conflicting classifications of pathogenicity. Review status: criteria provided, conflicting classifications (1 of 4 stars). 3 submissions from 3 submitters: Uncertain significance (1); Likely benign (2). Last evaluated 2025-05-27.

Conditions:
Cardiovascular phenotype. Identifiers: MedGen CN230736.

Allele frequency attached by ClinVar (database versions not stated): gnomAD exomes 0.00002; gnomAD 0.00005 and 0.00004; ExAC 0.00002; TOPMed 0.00005.
gnomAD v4.1: 35 of 1,613,784 alleles (0.0022%); highest among the groups gnomAD compares: East Asian, 0.0045%; no homozygotes.

Submissions (3):

Ambry Genetics
Classification: Likely benign for Cardiovascular phenotype. Last evaluated: 2025-05-27. Review status: criteria provided, single submitter. Criteria: Ambry Variant Classification Scheme 2023. Collection method: clinical testing. Allele origin: germline.

GeneDx
Classification: Likely benign. Last evaluated: 2018-06-20. Review status: criteria provided, single submitter. Criteria: GeneDx Variant Classification (06012015). Collection method: clinical testing. Allele origin: germline. Affected: yes.
Comment: This variant is considered likely benign or benign based on one or more of the following criteria: it is a conservative change, it occurs at a poorly conserved position in the protein, it is predicted to be benign by multiple in silico algorithms, and/or has population frequency not consistent with disease.

Eurofins Ntd Llc (ga)
Classification: Uncertain significance. Last evaluated: 2013-10-22. Review status: criteria provided, single submitter. Criteria: EGL Classification Definitions 2015. Collection method: clinical testing. Allele origin: germline. Observed: 1 variant allele, 1 heterozygote.

NM_001267550.2(TTN):c.104581C>T (p.Arg34861Cys)

Genes: TTN (titin; minus strand), TTN-AS1 (TTN antisense RNA 1; plus strand). Cytogenetic location: 2q31.2.
Variant type: single nucleotide variant.
Coding change: c.104581C>T on transcript NM_001267550.2 (MANE Select); coding-DNA position 104581, C replaced by T.
Protein change: p.Arg34861Cys; replaces arginine 34861 with cysteine.
Molecular consequence: missense variant.
Genome position (GRCh38, 1-based): chr2:178,532,034, G>A on the plus strand (C>T on the coding strand, the complement: TTN is on the minus strand). VCF-style: chr2-178532034-G-A. GRCh37 (hg19) VCF-style: chr2-179396761-G-A.
Other names: c.99658C>T, p.Arg33220Cys (NM_001256850.1); c.77386C>T, p.Arg25796Cys (NM_003319.4); c.77761C>T, p.Arg25921Cys (NM_133432.3); c.77962C>T, p.Arg25988Cys (NM_133437.4); c.96877C>T, p.Arg32293Cys (NM_133378.4); short protein forms R34861C, R25988C, R33220C, R25796C, R25921C.
Identifiers: ClinVar variation 96328 (VCV000096328.11), dbSNP rs398124463, ClinGen allele CA224015.